The following is an entry in ClinVar:

NM_024753.5(TTC21B):c.1291G>A (p.Glu431Lys)

Gene: TTC21B (tetratricopeptide repeat domain 21B; minus strand). Cytogenetic location: 2q24.3.
Variant type: single nucleotide variant.
Coding change: c.1291G>A on transcript NM_024753.5 (MANE Select); coding-DNA position 1291, G replaced by A.
Protein change: p.Glu431Lys; replaces glutamic acid 431 with lysine.
Molecular consequence: missense variant.
Genome position (GRCh38, 1-based): chr2:165,929,230, C>T on the plus strand (G>A on the coding strand, the complement: TTC21B is on the minus strand). VCF-style: chr2-165929230-C-T. GRCh37 (hg19) VCF-style: chr2-166785740-C-T.
Other names: short protein forms E431K.
Identifiers: ClinVar variation 3347540 (VCV003347540.1).

ClinVar aggregate classification (germline): Uncertain significance (0 of 4 stars; one submission).

Conditions:
TTC21B-related disorder. Also called: TTC21B-related disorders; TTC21B-related condition.

Submission:

PreventionGenetics, part of Exact Sciences
Classification: Uncertain significance for TTC21B-related condition. Last evaluated: 2024-07-29. Review status: no assertion criteria provided. Collection method: clinical testing. Allele origin: germline.
Comment: The TTC21B c.1291G>A variant is predicted to result in the amino acid substitution p.Glu431Lys. To our knowledge, this variant has not been reported in the literature or in a large population database, indicating this variant is rare. At this time, the clinical significance of this variant is uncertain due to the absence of conclusive functional and genetic evidence.